The following is an entry in ClinVar:

ClinVar aggregate classification (germline): Pathogenic (1 of 4 stars; one submission).

Conditions:
Early-infantile DEE. Also called: Ohtahara syndrome; Early infantile epileptic encephalopathy with suppression bursts; Early infantile epileptic encephalopathy. Identifiers: Orphanet 1934, MedGen C0393706, MONDO:0800491.

Allele frequency attached by ClinVar (database versions not stated): TOPMed below 0.00001; gnomAD 0.00001.
gnomAD v4.1: 1 of 1,611,804 alleles (0.000062%); highest among the groups gnomAD compares: Non-Finnish European, 0.000085%; no homozygotes.

Submission:

Labcorp Genetics (formerly Invitae), Labcorp
Classification: Pathogenic for Early-infantile DEE. Last evaluated: 2021-12-02. Review status: criteria provided, single submitter. Criteria: Invitae Variant Classification Sherloc (09022015). Collection method: clinical testing. Allele origin: germline.
Comment: For these reasons, this variant has been classified as Pathogenic. This sequence change creates a premature translational stop signal (p.Gln447*) in the SCN8A gene. It is expected to result in an absent or disrupted protein product. Loss-of-function variants in SCN8A are known to be pathogenic (PMID: 19254928, 32651551). ClinVar contains an entry for this variant (Variation ID: 406260). This variant has not been reported in the literature in individuals affected with SCN8A-related conditions. This variant is not present in population databases (gnomAD no frequency).

Literature cited by the submitters: PubMed 19254928; PubMed 32651551.

NM_001330260.2(SCN8A):c.1339C>T (p.Gln447Ter)

Gene: SCN8A (sodium voltage-gated channel alpha subunit 8; plus strand). Cytogenetic location: 12q13.13.
Variant type: single nucleotide variant.
Coding change: c.1339C>T on transcript NM_001330260.2 (MANE Select); coding-DNA position 1339, C replaced by T.
Protein change: p.Gln447Ter; replaces glutamine 447 with a stop codon.
Molecular consequence: nonsense.
Genome position (GRCh38, 1-based): chr12:51,705,621, C>T. VCF-style: chr12-51705621-C-T. GRCh37 (hg19) VCF-style: chr12-52099405-C-T.
Other names: c.1339C>T, p.Gln447Ter (NM_001177984.3, NM_001369788.1, NM_014191.4); short protein forms Q447*.
Identifiers: ClinVar variation 406260 (VCV000406260.11), dbSNP rs1060501012, ClinGen allele CA16613811.